The following is an entry in ClinVar:

NM_001130438.3(SPTAN1):c.6864G>A (p.Thr2288=)

Gene: SPTAN1 (spectrin alpha, non-erythrocytic 1; plus strand). Cytogenetic location: 9q34.11.
Variant type: single nucleotide variant.
Coding change: c.6864G>A on transcript NM_001130438.3 (MANE Select); coding-DNA position 6864, G replaced by A.
Protein change: p.Thr2288=; no amino-acid change (threonine 2288 retained).
Molecular consequence: synonymous variant.
Genome position (GRCh38, 1-based): chr9:128,632,228, G>A. VCF-style: chr9-128632228-G-A. GRCh37 (hg19) VCF-style: chr9-131394507-G-A.
Other names: c.6789G>A, p.Thr2263= (NM_001195532.2); c.6927G>A, p.Thr2309= (NM_001363759.2); c.6804G>A, p.Thr2268= (NM_001363765.2); c.6849G>A, p.Thr2283= (NM_003127.4).
Identifiers: ClinVar variation 378666 (VCV000378666.17), dbSNP rs577730526, ClinGen allele CA5265925.

ClinVar aggregate classification (germline): Likely benign. Review status: criteria provided, multiple submitters, no conflicts (2 of 4 stars). 4 submissions from 4 submitters: Likely benign (3). 1 of the submissions does not count toward it. Last evaluated 2025-12-19.

Conditions:
Early-infantile DEE. Also called: Ohtahara syndrome; Early infantile epileptic encephalopathy with suppression bursts; Early infantile epileptic encephalopathy. Identifiers: Orphanet 1934, MedGen C0393706, MONDO:0800491.
SPTAN1-related disorder. Also called: SPTAN1-related condition; SPTAN1-related disorders.

Allele frequency attached by ClinVar (database versions not stated): gnomAD exomes 0.00001 and 0.00002; ExAC 0.00003; gnomAD 0.00003; TOPMed 0.00004; 1000 Genomes Project 30x 0.00016; 1000 Genomes Project 0.00020.
gnomAD v4.1: 14 of 1,613,462 alleles (0.00087%); highest among the groups gnomAD compares: African/African-American, 0.0093%; no homozygotes.

Submissions (4):

Labcorp Genetics (formerly Invitae), Labcorp
Classification: Likely benign for Early-infantile DEE. Last evaluated: 2025-12-19. Review status: criteria provided, single submitter. Criteria: Invitae Variant Classification Sherloc (09022015). Collection method: clinical testing. Allele origin: germline.

CeGaT Center for Human Genetics Tuebingen
Classification: Likely benign. Last evaluated: 2025-07-01. Review status: criteria provided, single submitter. Criteria: CeGaT Center For Human Genetics Tuebingen Variant Classification Criteria Version 2. Collection method: clinical testing. Allele origin: germline. Affected: yes. Observed: 1 variant allele.
Comment: SPTAN1: BP4, BP7

GeneDx
Classification: Likely benign. Last evaluated: 2016-08-17. Review status: criteria provided, single submitter. Criteria: GeneDx Variant Classification (06012015). Collection method: clinical testing. Allele origin: germline. Affected: yes.
Comment: This variant is considered likely benign or benign based on one or more of the following criteria: it is a conservative change, it occurs at a poorly conserved position in the protein, it is predicted to be benign by multiple in silico algorithms, and/or has population frequency not consistent with disease.

PreventionGenetics, part of Exact Sciences
Classification: Likely benign for SPTAN1-related condition. Last evaluated: 2022-04-20. Review status: no assertion criteria provided. Collection method: clinical testing. Allele origin: germline. Not counted in ClinVar's aggregate classification.
Comment: This variant is classified as likely benign based on ACMG/AMP sequence variant interpretation guidelines (Richards et al. 2015 PMID: 25741868, with internal and published modifications).